The following is an entry in ClinVar:

ClinVar aggregate classification (germline): Uncertain significance (1 of 4 stars; one submission).

Conditions:
Cardiomyopathy (CMYO). Also called: Cardiomyopathies. Identifiers: Orphanet 167848, MedGen C0878544, MONDO:0004994, HP:0001638. Inheritance: Various modes of inheritance.

gnomAD v4.1: 1 of 1,613,176 alleles (0.000062%); highest among the groups gnomAD compares: Non-Finnish European, 0.000085%; no homozygotes.

Submission:

Color Diagnostics, LLC DBA Color Health
Classification: Uncertain significance for Cardiomyopathy. Last evaluated: 2025-08-17. Review status: criteria provided, single submitter. Criteria: ACMG Guidelines, 2015. Collection method: clinical testing. Allele origin: germline.
Comment: This missense variant replaces proline with leucine at codon 3475 of the RYR2 protein. Computational prediction suggests that this variant may have deleterious impact on protein structure and function. To our knowledge, functional studies have not been reported for this variant. This variant has not been reported in individuals affected with RYR2-related disorders in the literature. This variant has not been identified in the general population by the Genome Aggregation Database (gnomAD). The available evidence is insufficient to determine the role of this variant in disease conclusively. Therefore, this variant is classified as a Variant of Uncertain Significance.

NM_001035.3(RYR2):c.10424C>T (p.Pro3475Leu)

Gene: RYR2 (ryanodine receptor 2; plus strand). Cytogenetic location: 1q43.
Variant type: single nucleotide variant.
Coding change: c.10424C>T on transcript NM_001035.3 (MANE Select); coding-DNA position 10424, C replaced by T.
Protein change: p.Pro3475Leu; replaces proline 3475 with leucine.
Molecular consequence: missense variant.
Genome position (GRCh38, 1-based): chr1:237,717,298, C>T. VCF-style: chr1-237717298-C-T. GRCh37 (hg19) VCF-style: chr1-237880598-C-T.
Other names: short protein forms P3475L.
Identifiers: ClinVar variation 4756267 (VCV004756267.1).